The following is an entry in ClinVar:

ClinVar aggregate classification (germline): Likely pathogenic. Review status: criteria provided, single submitter (1 of 4 stars). 2 submissions from 2 submitters: Likely pathogenic (1). 1 of the submissions does not count toward it. Last evaluated 2025-04-04.

Conditions:
Autosomal recessive polycystic kidney disease (ARPKD). Also called: AR polycystic kidney disease. Identifiers: Orphanet 731, Orphanet 8378, MedGen C0085548, MeSH D017044, MONDO:0009889.
Polycystic kidney disease 4 (PKD4). Also called: POLYCYSTIC KIDNEY DISEASE 4 WITH OR WITHOUT POLYCYSTIC LIVER DISEASE; POLYCYSTIC KIDNEY AND HEPATIC DISEASE 1; POLYCYSTIC KIDNEY DISEASE, INFANTILE, TYPE I; PKD3; Autosomal Recessive Polycystic Kidney Disease – PKHD1. Identifiers: MedGen C4540575, MONDO:0033004, OMIM 263200.

Submissions (2):

Natera, Inc.
Classification: Likely pathogenic for Autosomal recessive polycystic kidney disease. Last evaluated: 2025-04-04. Review status: criteria provided, single submitter. Criteria: Natera Variant Classification Schema (03/2026). Collection method: clinical testing. Allele origin: germline.
Comment: The c.53-2A>G variant in PKHD1 is a canonical splice acceptor site variant predicted to affect pre-mRNA splicing, which may result in an abnormal transcript and altered protein product. This variant is expected to result in nonsense mediated decay, truncation, or a dysfunctional protein product. This variant is rare in the general population with a frequency below the threshold expected for the associated phenotype(s). Given the available evidence, this variant is classified as Likely Pathogenic.

Counsyl
Classification: Likely pathogenic for Polycystic kidney disease 4. Last evaluated: 2018-06-01. Review status: no assertion criteria provided. Collection method: clinical testing. Allele origin: unknown. Not counted in ClinVar's aggregate classification.

NM_138694.4(PKHD1):c.53-2A>G

Gene: PKHD1 (PKHD1 ciliary IPT domain containing fibrocystin/polyductin; minus strand). Cytogenetic location: 6p12.2.
Variant type: single nucleotide variant.
Coding change: c.53-2A>G on transcript NM_138694.4 (MANE Select); the canonical splice acceptor site of the intron before coding-DNA position 53, A replaced by G.
Molecular consequence: splice acceptor variant.
Genome position (GRCh38, 1-based): chr6:52,083,257, T>C on the plus strand (A>G on the coding strand, the complement: PKHD1 is on the minus strand). VCF-style: chr6-52083257-T-C. GRCh37 (hg19) VCF-style: chr6-51948055-T-C.
Other names: c.53-2A>G (NM_170724.3).
Identifiers: ClinVar variation 558651 (VCV000558651.4), dbSNP rs1554228601, ClinGen allele CA364441045.